The following is an entry in ClinVar:

NM_000827.4(GRIA1):c.2420C>T (p.Ala807Val)

Gene: GRIA1 (glutamate ionotropic receptor AMPA type subunit 1; plus strand). Cytogenetic location: 5q33.2.
Variant type: single nucleotide variant.
Coding change: c.2420C>T on transcript NM_000827.4 (MANE Select); coding-DNA position 2420, C replaced by T.
Protein change: p.Ala807Val; replaces alanine 807 with valine.
Molecular consequence: missense variant. On other transcripts: non-coding transcript variant (2).
Genome position (GRCh38, 1-based): chr5:153,802,390, C>T. VCF-style: chr5-153802390-C-T. GRCh37 (hg19) VCF-style: chr5-153181950-C-T.
Other names: c.2420C>T, p.Ala807Val (NM_001114183.2); c.2180C>T, p.Ala727Val (NM_001258019.2); c.2135C>T, p.Ala712Val (NM_001258020.2); c.2450C>T, p.Ala817Val (NM_001258021.2, NM_001258022.2); c.2213C>T, p.Ala738Val (NM_001258023.1, NM_001364167.2); c.2252C>T, p.Ala751Val (NM_001364165.2); c.2447C>T, p.Ala816Val (NM_001364166.2); short protein forms A712V, A816V, A727V, A751V, A738V, A807V, A817V.
Identifiers: ClinVar variation 2848371 (VCV002848371.3), dbSNP rs2481104980, ClinGen allele CA362001695.
Genomic context (GRCh38, chr5:153,802,390, plus strand): 5'-CTTCCTTTCCCTCCTCCTCTTCTTAGGACAAGACAAGCGCTCTGAGCCTCAGCAATGTGG[C>T]AGGCGTGTTCTACATCCTGATCGGAGGACTTGGACTAGCCATGCTGGTTGCCTTAATCGA-3'
Protein context (NP_000818.2, residues 797-817): KTSALSLSNV[Ala807Val]GVFYILIGGL

ClinVar aggregate classification (germline): Uncertain significance (1 of 4 stars; one submission).

Submission:

Labcorp Genetics (formerly Invitae), Labcorp
Classification: Uncertain significance. Last evaluated: 2025-04-04. Review status: criteria provided, single submitter. Criteria: Invitae Variant Classification Sherloc (09022015). Collection method: clinical testing. Allele origin: germline.
Comment: This sequence change replaces alanine, which is neutral and non-polar, with valine, which is neutral and non-polar, at codon 807 of the GRIA1 protein (p.Ala807Val). This variant is not present in population databases (gnomAD no frequency). This variant has not been reported in the literature in individuals affected with GRIA1-related conditions. ClinVar contains an entry for this variant (Variation ID: 2848371). Invitae Evidence Modeling of protein sequence and biophysical properties (such as structural, functional, and spatial information, amino acid conservation, physicochemical variation, residue mobility, and thermodynamic stability) indicates that this missense variant is expected to disrupt GRIA1 protein function with a positive predictive value of 80%. In summary, the available evidence is currently insufficient to determine the role of this variant in disease. Therefore, it has been classified as a Variant of Uncertain Significance.